The following is an entry in ClinVar:

ClinVar aggregate classification (germline): Conflicting classifications of pathogenicity. Review status: criteria provided, conflicting classifications (1 of 4 stars). 7 submissions from 7 submitters: Uncertain significance (5); Likely benign (2). Last evaluated 2026-09-09.

Conditions:
CYP27A1-related disorder. Also called: CYP27A1-related condition.
Cardiovascular phenotype. Identifiers: MedGen CN230736.
Cholestanol storage disease (CTX). Also called: CEREBRAL CHOLESTERINOSIS; Cerebrotendinous Xanthomatosis; CTX: Cerebrotendinous xanthomatosis. Identifiers: Orphanet 909, MedGen C0238052, MONDO:0008948, OMIM 213700.

Allele frequency attached by ClinVar (database versions not stated): gnomAD exomes 0.00003 and 0.00009; ExAC 0.00014; gnomAD 0.00025 and 0.00027; ESP Exome Variant Server 0.00038; TOPMed 0.00040.
gnomAD v4.1: 95 of 1,613,284 alleles (0.0059%); highest among the groups gnomAD compares: African/African-American, 0.073%; no homozygotes.

Submissions (7):

PreventionGenetics, part of Exact Sciences
Classification: Uncertain significance for CYP27A1-related condition. Last evaluated: 2026-09-09. Review status: criteria provided, single submitter. Criteria: ACMG Guidelines, 2015. Collection method: clinical testing. Allele origin: germline.
Comment: The CYP27A1 c.148G>A variant is predicted to result in the amino acid substitution p.Val50Ile. To our knowledge, this variant has not been reported in the literature. This variant is reported in 0.11% of alleles in individuals of African descent in gnomAD. Although we suspect that this variant may be benign, at this time, the clinical significance of this variant is uncertain due to the absence of conclusive functional and genetic evidence.

Labcorp Genetics (formerly Invitae), Labcorp
Classification: Likely benign for Cholestanol storage disease. Last evaluated: 2026-01-21. Review status: criteria provided, single submitter. Criteria: Invitae Variant Classification Sherloc (09022015). Collection method: clinical testing. Allele origin: germline.

Blueprint Genetics
Classification: Uncertain significance. Last evaluated: 2024-03-21. Review status: criteria provided, single submitter. Criteria: ACMG Guidelines, 2015. Collection method: clinical testing. Allele origin: germline.

GeneDx
Classification: Uncertain significance. Last evaluated: 2022-02-11. Review status: criteria provided, single submitter. Criteria: GeneDx Variant Classification Process June 2021. Collection method: clinical testing. Allele origin: germline. Affected: yes.
Comment: In silico analysis supports that this missense variant does not alter protein structure/function; Has not been previously published as pathogenic or benign to our knowledge

Ambry Genetics
Classification: Likely benign for Cardiovascular phenotype. Last evaluated: 2021-10-25. Review status: criteria provided, single submitter. Criteria: Ambry Variant Classification Scheme 2023. Collection method: clinical testing. Allele origin: germline.

Athena Diagnostics
Classification: Uncertain significance. Last evaluated: 2018-06-28. Review status: criteria provided, single submitter. Criteria: Athena Diagnostics Criteria. Collection method: clinical testing. Allele origin: germline.

Eurofins Ntd Llc (ga)
Classification: Uncertain significance. Last evaluated: 2018-05-11. Review status: criteria provided, single submitter. Criteria: EGL ClinVar v180209 classification definitions. Collection method: clinical testing. Allele origin: germline. Observed: 3 variant alleles, 3 heterozygotes.

NM_000784.4(CYP27A1):c.148G>A (p.Val50Ile)

Gene: CYP27A1 (cytochrome P450 family 27 subfamily A member 1; plus strand). Cytogenetic location: 2q35.
Variant type: single nucleotide variant.
Coding change: c.148G>A on transcript NM_000784.4 (MANE Select); coding-DNA position 148, G replaced by A.
Protein change: p.Val50Ile; replaces valine 50 with isoleucine.
Molecular consequence: missense variant.
Genome position (GRCh38, 1-based): chr2:218,782,330, G>A. VCF-style: chr2-218782330-G-A. GRCh37 (hg19) VCF-style: chr2-219647053-G-A.
Other names: short protein forms V50I.
Identifiers: ClinVar variation 501139 (VCV000501139.19), dbSNP rs149101812, ClinGen allele CA2112521.